The following is an entry in ClinVar:

NM_003743.5(NCOA1):c.3571G>A (p.Ala1191Thr)

Gene: NCOA1 (nuclear receptor coactivator 1; plus strand). Cytogenetic location: 2p23.3.
Variant type: single nucleotide variant.
Coding change: c.3571G>A on transcript NM_003743.5 (MANE Select); coding-DNA position 3571, G replaced by A.
Protein change: p.Ala1191Thr; replaces alanine 1191 with threonine.
Molecular consequence: missense variant.
Genome position (GRCh38, 1-based): chr2:24,742,051, G>A. VCF-style: chr2-24742051-G-A. GRCh37 (hg19) VCF-style: chr2-24964920-G-A.
Other names: c.3571G>A, p.Ala1191Thr (NM_001362950.1, NM_001362952.1, NM_001362954.1 and 3 more transcripts); short protein forms A1191T.
Identifiers: ClinVar variation 3348383 (VCV003348383.1).

ClinVar aggregate classification (germline): Uncertain significance (0 of 4 stars; one submission).

Conditions:
NCOA1-related disorder. Also called: NCOA1-related condition.

gnomAD v4.1: 3 of 1,614,070 alleles (0.00019%); highest among the groups gnomAD compares: Admixed American, 0.0033%; no homozygotes.

Submission:

PreventionGenetics, part of Exact Sciences
Classification: Uncertain significance for NCOA1-related condition. Last evaluated: 2023-12-15. Review status: no assertion criteria provided. Collection method: clinical testing. Allele origin: germline.
Comment: The NCOA1 c.3571G>A variant is predicted to result in the amino acid substitution p.Ala1191Thr. To our knowledge, this variant has not been reported in the literature or in a large population database, indicating this variant is rare. At this time, the clinical significance of this variant is uncertain due to the absence of conclusive functional and genetic evidence.